The following is an entry in ClinVar:

NM_014254.3(RXYLT1):c.56T>C (p.Phe19Ser)

Gene: RXYLT1 (ribitol xylosyltransferase 1; plus strand). Cytogenetic location: 12q14.2.
Variant type: single nucleotide variant.
Coding change: c.56T>C on transcript NM_014254.3 (MANE Select); coding-DNA position 56, T replaced by C.
Protein change: p.Phe19Ser; replaces phenylalanine 19 with serine.
Molecular consequence: missense variant.
Genome position (GRCh38, 1-based): chr12:63,780,016, T>C. VCF-style: chr12-63780016-T-C. GRCh37 (hg19) VCF-style: chr12-64173796-T-C.
Other names: short protein forms F19S.
Identifiers: ClinVar variation 540606 (VCV000540606.8), dbSNP rs375086772, ClinGen allele CA6665972.
Genomic context (GRCh38, chr12:63,780,016, plus strand): 5'-GTGGGATGCGGCTGACGCGGAAGCGGCTCTGCTCGTTTCTTATCGCCCTGTACTGCCTAT[T>C]CTCCCTCTACGCTGCCTACCACGTCTTCTTCGGGCGCCGCCGCCAGGCGCCGGCCGGGTC-3'
Protein context (NP_055069.1, residues 9-29): CSFLIALYCL[Phe19Ser]SLYAAYHVFF

ClinVar aggregate classification (germline): Uncertain significance (1 of 4 stars; one submission).

Allele frequency attached by ClinVar (database versions not stated): gnomAD exomes 0.00001 and 0.00002; ExAC 0.00002; TOPMed 0.00003; gnomAD 0.00007; ESP Exome Variant Server 0.00015.
gnomAD v4.1: 18 of 1,608,568 alleles (0.0011%); highest among the groups gnomAD compares: African/African-American, 0.024%; no homozygotes.

Submission:

Labcorp Genetics (formerly Invitae), Labcorp
Classification: Uncertain significance. Last evaluated: 2022-06-21. Review status: criteria provided, single submitter. Criteria: Invitae Variant Classification Sherloc (09022015). Collection method: clinical testing. Allele origin: germline.
Comment: This sequence change replaces phenylalanine, which is neutral and non-polar, with serine, which is neutral and polar, at codon 19 of the RXYLT1 protein (p.Phe19Ser). This variant is present in population databases (rs375086772, gnomAD 0.03%). This variant has not been reported in the literature in individuals affected with RXYLT1-related conditions. ClinVar contains an entry for this variant (Variation ID: 540606). Algorithms developed to predict the effect of missense changes on protein structure and function are either unavailable or do not agree on the potential impact of this missense change (SIFT: "Deleterious"; PolyPhen-2: "Probably Damaging"; Align-GVGD: "Class C0"). In summary, the available evidence is currently insufficient to determine the role of this variant in disease. Therefore, it has been classified as a Variant of Uncertain Significance.